The following is an entry in ClinVar:

NC_000023.11:g.(?_31609621)_(31774202_?)del

Gene: DMD (dystrophin; minus strand). Cytogenetic location: Xp21.1.
Variant type: Deletion.
Identifiers: ClinVar variation 658986 (VCV000658986.1).

ClinVar aggregate classification (germline): Pathogenic (1 of 4 stars; one submission).

Conditions:
Duchenne muscular dystrophy (DMD). Also called: MUSCULAR DYSTROPHY, PSEUDOHYPERTROPHIC PROGRESSIVE, DUCHENNE TYPE; Duchenne Muscular Dystrophy (DMD). Identifiers: Orphanet 98896, MedGen C0013264, MONDO:0010679, OMIM 310200.

Submission:

Labcorp Genetics (formerly Invitae), Labcorp
Classification: Pathogenic for Duchenne muscular dystrophy. Last evaluated: 2018-12-24. Review status: criteria provided, single submitter. Criteria: Invitae Variant Classification Sherloc (09022015). Collection method: clinical testing. Allele origin: germline.
Comment: This variant is an out-of-frame deletion of the genomic region encompassing exons 51-55 of the DMD gene. This is expected to create a premature translational stop signal and result in an absent or disrupted protein product. A similar deletion of exons 51-55 has been reported in individuals affected with DMD-related muscular dystrophy (PMID: 22090376, 15841391, 16030524, 9800909, 27206868, 21228398). Loss-of-function variants in DMD are known to be pathogenic (PMID: 16770791, 25007885). For these reasons, this variant has been classified as Pathogenic.

Literature cited by the submitters: PubMed 22090376; PubMed 15841391; PubMed 16030524; PubMed 9800909; PubMed 27206868; PubMed 21228398.